The following is an entry in ClinVar:

ClinVar aggregate classification (germline): Uncertain significance. Review status: criteria provided, multiple submitters, no conflicts (2 of 4 stars). 2 submissions from 2 submitters: Uncertain significance (2). Last evaluated 2024-07-10.

Conditions:
Inborn genetic diseases. Identifiers: MedGen C0950123, MeSH D030342.

Submissions (2):

Labcorp Genetics (formerly Invitae), Labcorp
Classification: Uncertain significance. Last evaluated: 2024-07-10. Review status: criteria provided, single submitter. Criteria: Invitae Variant Classification Sherloc (09022015). Collection method: clinical testing. Allele origin: germline.
Comment: This sequence change replaces glycine, which is neutral and non-polar, with glutamic acid, which is acidic and polar, at codon 1404 of the SPEG protein (p.Gly1404Glu). This variant is not present in population databases (gnomAD no frequency). This variant has not been reported in the literature in individuals affected with SPEG-related conditions. ClinVar contains an entry for this variant (Variation ID: 2487425). An algorithm developed to predict the effect of missense changes on protein structure and function (PolyPhen-2) suggests that this variant is likely to be disruptive. In summary, the available evidence is currently insufficient to determine the role of this variant in disease. Therefore, it has been classified as a Variant of Uncertain Significance.

Ambry Genetics
Classification: Uncertain significance for Inborn genetic diseases. Last evaluated: 2023-02-22. Review status: criteria provided, single submitter. Criteria: Ambry Variant Classification Scheme 2023. Collection method: clinical testing. Allele origin: germline.

NM_005876.5(SPEG):c.4211G>A (p.Gly1404Glu)

Gene: SPEG (striated muscle enriched protein kinase; plus strand). Cytogenetic location: 2q35.
Variant type: single nucleotide variant.
Coding change: c.4211G>A on transcript NM_005876.5 (MANE Select); coding-DNA position 4211, G replaced by A.
Protein change: p.Gly1404Glu; replaces glycine 1404 with glutamic acid.
Molecular consequence: missense variant.
Genome position (GRCh38, 1-based): chr2:219,473,567, G>A. VCF-style: chr2-219473567-G-A. GRCh37 (hg19) VCF-style: chr2-220338289-G-A.
Other names: short protein forms G1404E.
Identifiers: ClinVar variation 2487425 (VCV002487425.5), dbSNP rs2545824548, ClinGen allele CA350676437.